The following is an entry in ClinVar:

NM_002693.3(POLG):c.1257C>G (p.Pro419=)

Gene: POLG (DNA polymerase gamma, catalytic subunit; minus strand). Cytogenetic location: 15q26.1.
Variant type: single nucleotide variant.
Coding change: c.1257C>G on transcript NM_002693.3 (MANE Select); coding-DNA position 1257, C replaced by G.
Protein change: p.Pro419=; no amino-acid change (proline 419 retained).
Molecular consequence: synonymous variant.
Genome position (GRCh38, 1-based): chr15:89,327,343, G>C on the plus strand (C>G on the coding strand, the complement: POLG is on the minus strand). VCF-style: chr15-89327343-G-C. GRCh37 (hg19) VCF-style: chr15-89870574-G-C.
Other names: c.1257C>G, p.Pro419= (NM_001126131.2).
Identifiers: ClinVar variation 3045708 (VCV003045708.2), dbSNP rs2509256491, ClinGen allele CA492289794.
Genomic context (GRCh38, chr15:89,327,343, plus strand): 5'-CTGGTTGACAGGCAGGTAGGAGACACCCATCTCCAGCATGCCGGCCAGAGTCACTGGGTG[G>C]GGACACCTTGGAGGCAAACACCAGGAGCTGCCATAAATGACCACAGGAGGCAAGACTGGC-3'
Protein context (NP_002684.1, residues 409-429): QQLPLFLERC[Pro419=]HPVTLAGMLE

ClinVar aggregate classification (germline): Likely benign (0 of 4 stars; one submission).

Conditions:
POLG-related disorder. Also called: POLG-Related Spectrum Disorders; POLG-related condition; POLG-Related Disorders. Identifiers: MedGen C4763519.

Submission:

PreventionGenetics, part of Exact Sciences
Classification: Likely benign for POLG-related condition. Last evaluated: 2023-03-27. Review status: no assertion criteria provided. Collection method: clinical testing. Allele origin: germline.
Comment: This variant is classified as likely benign based on ACMG/AMP sequence variant interpretation guidelines (Richards et al. 2015 PMID: 25741868, with internal and published modifications).